The following is an entry in ClinVar:

NM_005591.4(MRE11):c.1931T>C (p.Ile644Thr)

Gene: MRE11 (MRE11 double strand break repair nuclease; minus strand). Cytogenetic location: 11q21.
Variant type: single nucleotide variant.
Coding change: c.1931T>C on transcript NM_005591.4 (MANE Select); coding-DNA position 1931, T replaced by C.
Protein change: p.Ile644Thr; replaces isoleucine 644 with threonine.
Molecular consequence: missense variant.
Genome position (GRCh38, 1-based): chr11:94,435,895, A>G on the plus strand (T>C on the coding strand, the complement: MRE11 is on the minus strand). VCF-style: chr11-94435895-A-G. GRCh37 (hg19) VCF-style: chr11-94169061-A-G.
Other names: c.1928T>C, p.Ile643Thr (NM_001330347.2); c.1847T>C, p.Ile616Thr (NM_005590.4); short protein forms I616T, I643T, I644T.
Identifiers: ClinVar variation 2562188 (VCV002562188.2), dbSNP rs2496209176, ClinGen allele CA382374156.

ClinVar aggregate classification (germline): Uncertain significance (1 of 4 stars; one submission).

Conditions:
Hereditary cancer-predisposing syndrome. Also called: Neoplastic Syndromes, Hereditary; Hereditary Cancer Syndrome; Hereditary neoplastic syndrome; Tumor predisposition. Identifiers: Orphanet 140162, MedGen C0027672, MeSH D009386, MONDO:0015356.

Submission:

Ambry Genetics
Classification: Uncertain significance for Hereditary cancer-predisposing syndrome. Last evaluated: 2023-06-01. Review status: criteria provided, single submitter. Criteria: Ambry Variant Classification Scheme 2023. Collection method: clinical testing. Allele origin: germline.
Comment: The p.I644T variant (also known as c.1931T>C), located in coding exon 17 of the MRE11A gene, results from a T to C substitution at nucleotide position 1931. The isoleucine at codon 644 is replaced by threonine, an amino acid with similar properties. This amino acid position is conserved. In addition, the in silico prediction for this alteration is inconclusive. Since supporting evidence is limited at this time, the clinical significance of this alteration remains unclear.